The following is an entry in ClinVar:

ClinVar aggregate classification (germline): Uncertain significance. Review status: criteria provided, multiple submitters, no conflicts (2 of 4 stars). 2 submissions from 2 submitters: Uncertain significance (2). Last evaluated 2024-12-05.

Conditions:
Developmental and epileptic encephalopathy, 36 (DEE36). Also called: Congenital disorder of glycosylation, type Is; ALG13-CDG; Epileptic encephalopathy, early infantile, 36. Identifiers: Orphanet 324422, MedGen C4317295, MONDO:0010472, OMIM 300884.

Allele frequency attached by ClinVar (database versions not stated): ExAC 0.00001; gnomAD 0.00001; gnomAD exomes 0.00001; TOPMed 0.00001; ESP Exome Variant Server 0.00012.
gnomAD v4.1: 10 of 1,209,190 alleles (0.00083%); highest among the groups gnomAD compares: African/African-American, 0.0018%; no homozygotes.

Submissions (2):

Women's Health and Genetics/Laboratory Corporation of America, LabCorp
Classification: Uncertain significance. Last evaluated: 2024-12-05. Review status: criteria provided, single submitter. Criteria: LabCorp Variant Classification Summary - May 2015. Collection method: clinical testing. Allele origin: germline.
Comment: Variant summary: ALG13 c.1946C>T (p.Pro649Leu) results in a non-conservative amino acid change in the encoded protein sequence. Four of five in-silico tools predict a benign effect of the variant on protein function. The variant allele was found at a frequency of 5.6e-06 in 178942 control chromosomes. The available data on variant occurrences in the general population are insufficient to allow any conclusion about variant significance. To our knowledge, no occurrence of c.1946C>T in individuals affected with Epileptic Encephalopathy, Early Infantile, 36 and no experimental evidence demonstrating its impact on protein function have been reported. ClinVar contains an entry for this variant (Variation ID: 2898378). Based on the evidence outlined above, the variant was classified as uncertain significance.

Labcorp Genetics (formerly Invitae), Labcorp
Classification: Uncertain significance for Developmental and epileptic encephalopathy, 36. Last evaluated: 2023-06-18. Review status: criteria provided, single submitter. Criteria: Invitae Variant Classification Sherloc (09022015). Collection method: clinical testing. Allele origin: germline.
Comment: This variant is not present in population databases (gnomAD no frequency). In summary, the available evidence is currently insufficient to determine the role of this variant in disease. Therefore, it has been classified as a Variant of Uncertain Significance. Advanced modeling of protein sequence and biophysical properties (such as structural, functional, and spatial information, amino acid conservation, physicochemical variation, residue mobility, and thermodynamic stability) performed at Invitae indicates that this missense variant is not expected to disrupt ALG13 protein function. This variant has not been reported in the literature in individuals affected with ALG13-related conditions. This sequence change replaces proline, which is neutral and non-polar, with leucine, which is neutral and non-polar, at codon 649 of the ALG13 protein (p.Pro649Leu).

NM_001099922.3(ALG13):c.1946C>T (p.Pro649Leu)

Gene: ALG13 (ALG13 UDP-N-acetylglucosaminyltransferase subunit; plus strand). Cytogenetic location: Xq23.
Variant type: single nucleotide variant.
Coding change: c.1946C>T on transcript NM_001099922.3 (MANE Select); coding-DNA position 1946, C replaced by T.
Protein change: p.Pro649Leu; replaces proline 649 with leucine.
Molecular consequence: missense variant. On other transcripts: non-coding transcript variant (1).
Genome position (GRCh38, 1-based): chrX:111,727,025, C>T. VCF-style: chrX-111727025-C-T. GRCh37 (hg19) VCF-style: chrX-110970253-C-T.
Other names: c.1634C>T, p.Pro545Leu (NM_001257230.2, NM_001257234.2, NM_001257237.2); c.1712C>T, p.Pro571Leu (NM_001257231.2); c.1946C>T, p.Pro649Leu (NM_001324292.2); c.1460C>T, p.Pro487Leu (NM_001324293.1); short protein forms P649L, P571L, P487L, P545L.
Identifiers: ClinVar variation 2898378 (VCV002898378.4), dbSNP rs368596044, ClinGen allele CA10493792.